The following is an entry in ClinVar:

NM_000433.4(NCF2):c.196C>T (p.Arg66Ter)

Gene: NCF2 (neutrophil cytosolic factor 2; minus strand). Cytogenetic location: 1q25.3.
Variant type: single nucleotide variant.
Coding change: c.196C>T on transcript NM_000433.4 (MANE Select); coding-DNA position 196, C replaced by T.
Protein change: p.Arg66Ter; replaces arginine 66 with a stop codon.
Molecular consequence: nonsense.
Genome position (GRCh38, 1-based): chr1:183,586,956, G>A on the plus strand (C>T on the coding strand, the complement: NCF2 is on the minus strand). VCF-style: chr1-183586956-G-A. GRCh37 (hg19) VCF-style: chr1-183556091-G-A.
Other names: c.196C>T, p.Arg66Ter (NM_001127651.3, NM_001190789.2, NM_001190794.2); short protein forms R66*.
Identifiers: ClinVar variation 916521 (VCV000916521.46), dbSNP rs750782115, ClinGen allele CA1285032.
Genomic context (GRCh38, chr1:183,586,956, plus strand): 5'-TCTCTGTCTGGTAGTAGAGCATCCCTCGTTGGAAGTAAGCCACTGCCAAGTGCTTGTCTC[G>A]GTTAATGCTTCTGGTAAAGGCCTGAGGAGAGAAGGGTCCAGACATGGCCATGATGCAAGG-3'

ClinVar aggregate classification (germline): Pathogenic. Review status: criteria provided, multiple submitters, no conflicts (2 of 4 stars). 3 submissions from 3 submitters: Pathogenic (3). Last evaluated 2024-06-16.

Conditions:
Granulomatous disease, chronic, autosomal recessive, cytochrome b-positive, type 2. Also called: GRANULOMATOUS DISEASE, CHRONIC, AUTOSOMAL RECESSIVE, 2; Chronic Granulomatous Disease, Autosomal Recessive, Cytochrome b-Positive, Type II; Chronic granulomatous disease due to deficiency of NCF-2; GRANULOMATOUS DISEASE, CHRONIC, DUE TO NCF2 DEFICIENCY; CGD, AUTOSOMAL RECESSIVE CYTOCHROME b-POSITIVE, TYPE II. Identifiers: Orphanet 379, MedGen C1856245, MONDO:0009310, OMIM 233710.

Submissions (3):

Fulgent Genetics
Classification: Pathogenic for Granulomatous disease, chronic, autosomal recessive, cytochrome b-positive, type 2. Last evaluated: 2024-06-16. Review status: criteria provided, single submitter. Criteria: ACMG Guidelines, 2015. Collection method: clinical testing. Allele origin: germline.

Labcorp Genetics (formerly Invitae), Labcorp
Classification: Pathogenic for Granulomatous disease, chronic, autosomal recessive, cytochrome b-positive, type 2. Last evaluated: 2023-07-15. Review status: criteria provided, single submitter. Criteria: Invitae Variant Classification Sherloc (09022015). Collection method: clinical testing. Allele origin: germline.
Comment: For these reasons, this variant has been classified as Pathogenic. Algorithms developed to predict the effect of sequence changes on RNA splicing suggest that this variant may disrupt the consensus splice site. ClinVar contains an entry for this variant (Variation ID: 916521). This premature translational stop signal has been observed in individual(s) with chronic granulomatous disease (PMID: 10598813, 30470980). This variant is present in population databases (rs750782115, gnomAD 0.0009%). This sequence change creates a premature translational stop signal (p.Arg66*) in the NCF2 gene. It is expected to result in an absent or disrupted protein product. Loss-of-function variants in NCF2 are known to be pathogenic (PMID: 10498624, 20167518).

CeGaT Center for Human Genetics Tuebingen
Classification: Pathogenic. Last evaluated: 2020-02-01. Review status: criteria provided, single submitter. Criteria: CeGaT Center For Human Genetics Tuebingen Variant Classification Criteria Version 2. Collection method: clinical testing. Allele origin: germline. Affected: yes. Observed: 1 variant allele.

Literature cited by the submitters: PubMed 10598813 (cited by Labcorp Genetics (formerly Invitae), Labcorp); PubMed 30470980 (cited by Labcorp Genetics (formerly Invitae), Labcorp); PubMed 10498624 (cited by Labcorp Genetics (formerly Invitae), Labcorp); PubMed 20167518 (cited by Labcorp Genetics (formerly Invitae), Labcorp).